The following is an entry in ClinVar:

ClinVar aggregate classification (germline): Uncertain significance (1 of 4 stars; one submission).

Conditions:
Hereditary cancer-predisposing syndrome. Also called: Hereditary Cancer Syndrome; Tumor predisposition; Hereditary neoplastic syndrome; Neoplastic Syndromes, Hereditary. Identifiers: Orphanet 140162, MedGen C0027672, MeSH D009386, MONDO:0015356.
Cardiovascular phenotype. Identifiers: MedGen CN230736.

Submission:

Ambry Genetics
Classification: Uncertain significance for Cardiovascular phenotype; Hereditary cancer-predisposing syndrome. Last evaluated: 2024-07-11. Review status: criteria provided, single submitter. Criteria: Ambry Variant Classification Scheme 2023. Collection method: clinical testing. Allele origin: germline.
Comment: The c.5828_5833delATGATG variant (also known as p.D1943_D1944del) is located in coding exon 39 of the NF1 gene. This variant results from an in-frame ATGATG deletion at nucleotide positions 5828 to 5833. This results in the in-frame deletion of two aspartic acid residues at codons 1943 and 1944. These amino acid positions are highly conserved in available vertebrate species. In addition, this alteration is predicted to be deleterious by in silico analysis (Choi Y et al. PLoS ONE. 2012; 7(10):e46688). Based on the available evidence, the clinical significance of this variant remains unclear.

NM_001042492.3(NF1):c.5888ATG[1] (p.Asp1964_Asp1965del)

Gene: NF1 (neurofibromin 1; plus strand). Cytogenetic location: 17q11.2.
Variant type: Microsatellite.
Coding change: c.5888ATG[1] on transcript NM_001042492.3 (MANE Select); one copy of the 3-base unit ATG starting at c.5888; the reference has three copies in a row; two copies, 6 bases deleted.
Protein change: p.Asp1964_Asp1965del.
Molecular consequence: inframe deletion. On other transcripts: inframe indel (1).
Genome position (GRCh38, 1-based): chr17:31,334,916-31,334,921, ATGATG deleted; deleting any 6 consecutive bases within chr17:31,334,913-31,334,921 gives the same sequence; the position shown is the placement nearest the transcript's 3' end. VCF-style (leftmost placement, unchanged base first): chr17-31334912-AATGATG-A. GRCh37 (hg19) VCF-style: chr17-29661930-AATGATG-A.
Other names: c.5828_5833delATGATG (NM_000267.3); c.5825_5827ATG[1], p.Asp1943_Asp1944del (NM_000267.4).
Identifiers: ClinVar variation 3404638 (VCV003404638.1).